The following is an entry in ClinVar:

ClinVar aggregate classification (germline): Pathogenic/Likely pathogenic. Review status: criteria provided, multiple submitters, no conflicts (2 of 4 stars). 3 submissions from 3 submitters: Pathogenic (1); Likely pathogenic (2). Last evaluated 2024-05-01.

Conditions:
PDZD7-related disorder. Also called: PDZD7-related condition; PDZD7-related disorders.
Nonsyndromic genetic hearing loss. Also called: Nonsyndromic genetic deafness; Nonsyndromic hearing loss and deafness; Non-syndromic genetic deafness. Identifiers: Orphanet 87884, MedGen C5680182, MONDO:0019497.
Hearing loss, autosomal recessive. Also called: Deafness, autosomal recessive; Rare autosomal recessive non-syndromic sensorineural deafness type DFNB; Autosomal recessive nonsyndromic deafness; Nonsyndromic Hearing Loss, Recessive. Identifiers: Orphanet 90635, Orphanet 90636, MedGen C1846647, MONDO:0019588, OMIM 607197.

Allele frequency attached by ClinVar (database versions not stated): gnomAD exomes 0.00001 and 0.00003; gnomAD 0.00004.

Submissions (3):

Laboratory of Human Genetics, Universidade de São Paulo
Classification: Pathogenic for Hearing loss, autosomal recessive. Last evaluated: 2024-05-01. Review status: criteria provided, single submitter. Criteria: ClinGen HL ACMG Specifications v1. Collection method: research. Allele origin: unknown. Affected: yes. Observed: 2 variant alleles.
Comment: The PDZD7:NM_001195263.2:c.2211del variant is a null variant in a gene where loss of function is a known mechanism of disease (PVS1), it is associated with a recessive disorder, detected in trans with a pathogenic variant, in compound heterozygous state in affected cases (PM3), has extremely low frequency in gnomAD population databases (PM2), here it was found with c.166dup in two affected siblings born from unrelated couple.

Laboratory for Molecular Medicine, Mass General Brigham Personalized Medicine
Classification: Likely pathogenic for Nonsyndromic genetic hearing loss. Last evaluated: 2024-02-12. Review status: criteria provided, single submitter. Criteria: ACMG Guidelines, 2015. Collection method: clinical testing. Allele origin: germline. Inheritance: Autosomal recessive inheritance.
Comment: The p.Gln737HisfsX16 variant in PDZD7 has not been previously reported in individuals with hearing loss but has been identified in 0.01% (6/41030) of African chromosomes by gnomAD (v.3.1.2), consistent with a recessive carrier frequency. This variant is predicted to cause a frameshift, which alters the protein’s amino acid sequence beginning at position 737 and leads to a premature termination codon 16 amino acids downstream. This alteration is then predicted to lead to a truncated or absent protein. Biallelic loss of function of the PDZD7 gene is an established disease mechanism in autosomal recessive hearing loss. In summary, although additional studies are required to fully establish its clinical significance, this variant meets criteria to be classified as likely pathogenic for autosomal recessive hearing loss. ACMG/AMP Criteria applied: PVS1, PM2_Supporting.

Blueprint Genetics
Classification: Likely pathogenic for PDZD7-related disorders. Last evaluated: 2021-09-03. Review status: criteria provided, single submitter. Criteria: ACMG Guidelines, 2015. Collection method: clinical testing. Allele origin: germline. Affected: yes. Observed: 3 variant alleles.

NM_001195263.2(PDZD7):c.2211del (p.Gln737fs)

Gene: PDZD7 (PDZ domain containing 7; minus strand). Cytogenetic location: 10q24.31.
Variant type: Deletion.
Coding change: c.2211del on transcript NM_001195263.2 (MANE Select); coding-DNA position 2211, one base deleted (G; older notation c.2211delG).
Protein change: p.Gln737fs; shifts the reading frame from glutamine 737.
Molecular consequence: frameshift variant.
Genome position (GRCh38, 1-based): chr10:101,010,678, C deleted on the plus strand (G on the coding strand, the reverse complement: PDZD7 is on the minus strand). VCF-style (leftmost placement, unchanged base first): chr10-101010677-GC-G. GRCh37 (hg19) VCF-style: chr10-102770434-GC-G.
Other names: short protein forms Q737fs.
Identifiers: ClinVar variation 3075980 (VCV003075980.3), dbSNP rs1157689930, ClinGen allele CA595644113.